The following is an entry in ClinVar:

NM_006302.3(MOGS):c.1949G>A (p.Gly650Glu)

Gene: MOGS (mannosyl-oligosaccharide glucosidase; minus strand). Cytogenetic location: 2p13.1.
Variant type: single nucleotide variant.
Coding change: c.1949G>A on transcript NM_006302.3 (MANE Select); coding-DNA position 1949, G replaced by A.
Protein change: p.Gly650Glu; replaces glycine 650 with glutamic acid.
Molecular consequence: missense variant.
Genome position (GRCh38, 1-based): chr2:74,461,840, C>T on the plus strand (G>A on the coding strand, the complement: MOGS is on the minus strand). VCF-style: chr2-74461840-C-T. GRCh37 (hg19) VCF-style: chr2-74688967-C-T.
Other names: c.1631G>A, p.Gly544Glu (NM_001146158.2); short protein forms G544E, G650E.
Identifiers: ClinVar variation 2157478 (VCV002157478.1), dbSNP rs530177944, ClinGen allele CA1724691.

ClinVar aggregate classification (germline): Uncertain significance (1 of 4 stars; one submission).

Conditions:
MOGS-congenital disorder of glycosylation. Also called: GLUCOSIDASE I DEFICIENCY; MOGS-CDG; CDG IIb; CDG 2B. Identifiers: Orphanet 79330, MedGen C1853736, MONDO:0011629, OMIM 606056.

Allele frequency attached by ClinVar (database versions not stated): ExAC 0.00010; 1000 Genomes Project 30x 0.00016; 1000 Genomes Project 0.00020.
gnomAD v4.1: 57 of 1,614,152 alleles (0.0035%); highest among the groups gnomAD compares: South Asian, 0.057%; 3 homozygotes.

Submission:

Labcorp Genetics (formerly Invitae), Labcorp
Classification: Uncertain significance for MOGS-congenital disorder of glycosylation. Last evaluated: 2022-02-18. Review status: criteria provided, single submitter. Criteria: Invitae Variant Classification Sherloc (09022015). Collection method: clinical testing. Allele origin: germline.
Comment: This sequence change replaces glycine, which is neutral and non-polar, with glutamic acid, which is acidic and polar, at codon 650 of the MOGS protein (p.Gly650Glu). This variant is present in population databases (rs530177944, gnomAD 0.06%). This variant has not been reported in the literature in individuals affected with MOGS-related conditions. Algorithms developed to predict the effect of missense changes on protein structure and function (SIFT, PolyPhen-2, Align-GVGD) all suggest that this variant is likely to be tolerated. In summary, the available evidence is currently insufficient to determine the role of this variant in disease. Therefore, it has been classified as a Variant of Uncertain Significance.